The following is an entry in ClinVar:

ClinVar aggregate classification (germline): Conflicting classifications of pathogenicity. Review status: criteria provided, conflicting classifications (1 of 4 stars). 4 submissions from 4 submitters: Uncertain significance (3); Likely benign (1). Last evaluated 2025-11-13.

Conditions:
Hereditary cancer-predisposing syndrome. Also called: Hereditary neoplastic syndrome; Neoplastic Syndromes, Hereditary; Tumor predisposition; Hereditary Cancer Syndrome. Identifiers: Orphanet 140162, MedGen C0027672, MeSH D009386, MONDO:0015356.
Breast-ovarian cancer, familial, susceptibility to, 4. Identifiers: Orphanet 145, MedGen C3280345, MONDO:0013669, OMIM 614291.

Submissions (4):

Labcorp Genetics (formerly Invitae), Labcorp
Classification: Uncertain significance for Breast-ovarian cancer, familial, susceptibility to, 4. Last evaluated: 2025-11-13. Review status: criteria provided, single submitter. Criteria: Invitae Variant Classification Sherloc (09022015). Collection method: clinical testing. Allele origin: germline.
Comment: This sequence change falls in intron 2 of the RAD51D gene. It does not directly change the encoded amino acid sequence of the RAD51D protein. It affects a nucleotide within the consensus splice site. Information on the frequency of this variant in the gnomAD database is not available, as this variant may be reported differently in the database. This variant has not been reported in the literature in individuals affected with RAD51D-related conditions. ClinVar contains an entry for this variant (Variation ID: 185341). Variants that disrupt the consensus splice site are a relatively common cause of aberrant splicing (PMID: 17576681, 9536098). In summary, the available evidence is currently insufficient to determine the role of this variant in disease. Therefore, it has been classified as a Variant of Uncertain Significance.

Color Diagnostics, LLC DBA Color Health
Classification: Uncertain significance for Hereditary cancer-predisposing syndrome. Last evaluated: 2021-08-04. Review status: criteria provided, single submitter. Criteria: ACMG Guidelines, 2015. Collection method: clinical testing. Allele origin: germline.
Comment: This variant changes two nucleotides at the -3 and -4 positions of intron 2 of the RAD51D gene. Splice site prediction tools are inconclusive regarding the impact of this variant on RNA splicing. To our knowledge, functional studies have not been reported for this variant. This variant has not been reported in individuals affected with hereditary cancer in the literature. This variant has not been identified in the general population by the Genome Aggregation Database (gnomAD). The available evidence is insufficient to determine the role of this variant in disease conclusively. Therefore, this variant is classified as a Variant of Uncertain Significance.

MGZ Medical Genetics Center
Classification: Uncertain significance for Breast-ovarian cancer, familial, susceptibility to, 4. Last evaluated: 2021-07-19. Review status: criteria provided, single submitter. Criteria: ACMG Guidelines, 2015. Collection method: clinical testing. Allele origin: germline. Affected: yes. Observed: 1 variant allele.
Comment: ACMG criteria applied: PM2_SUP, PP3

Ambry Genetics
Classification: Likely benign for Hereditary cancer-predisposing syndrome. Last evaluated: 2018-08-08. Review status: criteria provided, single submitter. Criteria: Ambry Variant Classification Scheme 2023. Collection method: clinical testing. Allele origin: germline.

Literature cited by the submitters: PubMed 17576681 (cited by Labcorp Genetics (formerly Invitae), Labcorp); PubMed 9536098 (cited by Labcorp Genetics (formerly Invitae), Labcorp).

NM_002878.4(RAD51D):c.145-4_145-3delinsTT

Genes: RAD51L3-RFFL (RAD51L3-RFFL readthrough; minus strand), RAD51D (RAD51 paralog D; minus strand). Cytogenetic location: 17q12.
Variant type: Indel.
Coding change: c.145-4_145-3delinsTT on transcript NM_002878.4 (MANE Select); 4 bases into the intron before coding-DNA position 145 through 3 bases into the intron before coding-DNA position 145, GC replaced by TT.
Molecular consequence: intron variant.
Genome position (GRCh38, 1-based): chr17:35,118,622-35,118,623, GC replaced by AA on the plus strand (GC replaced by TT on the coding strand, the reverse complement: RAD51D is on the minus strand). VCF-style: chr17-35118622-GC-AA. GRCh37 (hg19) VCF-style: chr17-33445641-GC-AA.
Other names: c.144+488_144+489delinsTT (NM_133629.3, NM_001142571.2); c.145-4_145-3delGCinsTT (NM_002878.3).
Identifiers: ClinVar variation 185341 (VCV000185341.18), dbSNP rs786202099, ClinGen allele CA191682.